The following is an entry in ClinVar:

NM_017617.5(NOTCH1):c.6388G>C (p.Gly2130Arg)

Gene: NOTCH1 (notch receptor 1; minus strand). Cytogenetic location: 9q34.3.
Variant type: single nucleotide variant.
Coding change: c.6388G>C on transcript NM_017617.5 (MANE Select); coding-DNA position 6388, G replaced by C.
Protein change: p.Gly2130Arg; replaces glycine 2130 with arginine.
Molecular consequence: missense variant.
Genome position (GRCh38, 1-based): chr9:136,497,351, C>G on the plus strand (G>C on the coding strand, the complement: NOTCH1 is on the minus strand). VCF-style: chr9-136497351-C-G. GRCh37 (hg19) VCF-style: chr9-139391803-C-G.
Other names: short protein forms G2130R.
Identifiers: ClinVar variation 1753202 (VCV001753202.2), dbSNP rs915267438, ClinGen allele CA201634154.

ClinVar aggregate classification (germline): Uncertain significance (1 of 4 stars; one submission).

Conditions:
Familial thoracic aortic aneurysm and aortic dissection (TAAD). Also called: Thoracic aortic aneurysms and dissections. Identifiers: Orphanet 91387, MedGen C4707243, MONDO:0019625.

Allele frequency attached by ClinVar (database versions not stated): gnomAD exomes below 0.00001; gnomAD 0.00001.
gnomAD v4.1: 8 of 1,606,596 alleles (0.0005%); highest among the groups gnomAD compares: African/African-American, 0.004%; no homozygotes.

Submission:

Ambry Genetics
Classification: Uncertain significance for Familial thoracic aortic aneurysm and aortic dissection. Last evaluated: 2021-12-24. Review status: criteria provided, single submitter. Criteria: Ambry Variant Classification Scheme 2023. Collection method: clinical testing. Allele origin: germline.
Comment: The p.G2130R variant (also known as c.6388G>C), located in coding exon 34 of the NOTCH1 gene, results from a G to C substitution at nucleotide position 6388. The glycine at codon 2130 is replaced by arginine, an amino acid with dissimilar properties. This amino acid position is conserved. In addition, the in silico prediction for this alteration is inconclusive. Since supporting evidence is limited at this time, the clinical significance of this alteration remains unclear.